The following is an entry in ClinVar:

ClinVar aggregate classification (germline): Benign/Likely benign. Review status: criteria provided, multiple submitters, no conflicts (2 of 4 stars). 2 submissions from 2 submitters: Benign (1); Likely benign (1). Last evaluated 2026-04-23.

Conditions:
Colorectal cancer, susceptibility to, 1. Also called: COLORECTAL ADENOMA AND CANCER, SUSCEPTIBILITY TO; COLORECTAL CANCER, SUSCEPTIBILITY TO, ON CHROMOSOME 9. Identifiers: MedGen C1837315, MONDO:0012132, OMIM 608812.

Allele frequency attached by ClinVar (database versions not stated): gnomAD exomes 0.00001; TOPMed 0.00001; gnomAD 0.00001.

Submissions (2):

Myriad Genetics, Inc.
Classification: Benign for Colorectal cancer, susceptibility to, 1. Last evaluated: 2026-04-23. Review status: criteria provided, single submitter. Criteria: Myriad Autosomal Dominant, Autosomal Recessive and X-Linked Classification Criteria (2023). Collection method: clinical testing. Allele origin: unknown.
Comment: This variant is considered benign. This variant is a silent/synonymous amino acid change and it is not expected to impact splicing.

Ambry Genetics
Classification: Likely benign. Last evaluated: 2019-04-22. Review status: criteria provided, single submitter. Criteria: Ambry Variant Classification Scheme 2023. Collection method: clinical testing. Allele origin: germline.

NM_024642.5(GALNT12):c.285G>A (p.Glu95=)

Gene: GALNT12 (polypeptide N-acetylgalactosaminyltransferase 12; plus strand). Cytogenetic location: 9q22.33.
Variant type: single nucleotide variant.
Coding change: c.285G>A on transcript NM_024642.5 (MANE Select); coding-DNA position 285, G replaced by A.
Protein change: p.Glu95=; no amino-acid change (glutamic acid 95 retained).
Molecular consequence: synonymous variant.
Genome position (GRCh38, 1-based): chr9:98,807,983, G>A. VCF-style: chr9-98807983-G-A. GRCh37 (hg19) VCF-style: chr9-101570265-G-A.
Identifiers: ClinVar variation 821908 (VCV000821908.5), dbSNP rs1195790159, ClinGen allele CA466647555.